The following is an entry in ClinVar:

ClinVar aggregate classification (germline): Uncertain significance (1 of 4 stars; one submission).

Conditions:
Atrial septal defect 8 (ASD8). Identifiers: Orphanet 1478, MedGen C3280790, MONDO:0013750, OMIM 614433.

Submission:

Victorian Clinical Genetics Services, Murdoch Childrens Research Institute
Classification: Uncertain significance for Atrial septal defect 8. Last evaluated: 2022-02-02. Review status: criteria provided, single submitter. Criteria: ACMG Guidelines, 2015. Collection method: clinical testing. Allele origin: germline. Inheritance: Autosomal dominant inheritance. Affected: yes.
Comment: Based on the classification scheme VCGS_Germline_v1.3.4, this variant is classified as VUS-3B. Following criteria are met: 0102 - Loss of function is a known mechanism of disease in this gene and is associated with atrial and ventricular septal defects (MIM#614433). (I) 0107 - This gene is associated with autosomal dominant disease. (I) 0215 - In-frame deletion fully contained in a repetitive region that has moderate conservation. (I) 0251 - This variant is heterozygous. (I) 0302 - Variant is present in gnomAD (v2) <0.001 for a dominant condition (5 heterozygotes, 0 homozygotes). (SP) 0604 - Variant is not located in an established domain, motif, hotspot or informative constraint region. (I) 0705 - No comparable in-frame deletion variants have previous evidence for pathogenicity. (I) 0807 - This variant has no previous evidence of pathogenicity. (I) 0906 - Segregation evidence for this variant is inconclusive. (I) 1007 - No published functional evidence has been identified for this variant. (I) 1208 - Inheritance information for this variant is not currently available in this individual. (I) Legend: (SP) - Supporting pathogenic, (I) - Information, (SB) - Supporting benign

NM_006079.5(CITED2):c.119AGC[3] (p.Gln43del)

Gene: CITED2 (Cbp/p300 interacting transactivator with Glu/Asp rich carboxy-terminal domain 2; minus strand). Cytogenetic location: 6q24.1.
Variant type: Microsatellite.
Coding change: c.119AGC[3] on transcript NM_006079.5 (MANE Select); three copies in a row of the 3-base unit AGC starting at c.119; the reference has four copies in a row; one copy, 3 bases deleted.
Protein change: p.Gln43del; deletes glutamine 43.
Molecular consequence: inframe deletion.
Genome position (GRCh38, 1-based): chr6:139,373,815-139,373,817, GCT deleted on the plus strand (AGC on the coding strand, the reverse complement: CITED2 is on the minus strand); deleting any 3 consecutive bases within chr6:139,373,815-139,373,827 gives the same sequence; the position shown is the placement nearest the transcript's 3' end. VCF-style (leftmost placement, unchanged base first): chr6-139373814-GGCT-G. GRCh37 (hg19) VCF-style: chr6-139694951-GGCT-G.
Other names: c.119AGC[3], p.Gln43del (NM_001168388.3); c.134AGC[3], p.Gln48del (NM_001168389.3); short protein forms Q43del, Q48del.
Identifiers: ClinVar variation 1804911 (VCV001804911.1), dbSNP rs772093152, ClinGen allele CA4025712.